The following is an entry in ClinVar:

ClinVar aggregate classification (germline): Uncertain significance. Review status: criteria provided, multiple submitters, no conflicts (2 of 4 stars). 7 submissions from 7 submitters: Uncertain significance (6). 1 of the submissions does not count toward it. Last evaluated 2025-08-25.

Conditions:
Hereditary cancer-predisposing syndrome. Also called: Neoplastic Syndromes, Hereditary; Hereditary Cancer Syndrome; Tumor predisposition; Hereditary neoplastic syndrome. Identifiers: Orphanet 140162, MedGen C0027672, MeSH D009386, MONDO:0015356.
Familial cancer of breast. Also called: BREAST CANCER, FAMILIAL; hereditary breast carcinoma; Hereditary breast cancer. Identifiers: Orphanet 227535, MedGen C0346153, MONDO:0016419, OMIM 114480. Disease mechanism: loss of function.
Ataxia-telangiectasia syndrome (AT). Also called: Ataxia-telangiectasia, complementation group D; AT, COMPLEMENTATION GROUP C; Ataxia-telangiectasia; ATAXIA-TELANGIECTASIA, COMPLEMENTATION GROUP A; ATAXIA-TELANGIECTASIA, FRESNO VARIANT; Ataxia-telangiectasia, complementation group E. Identifiers: Orphanet 100, MedGen C0004135, MONDO:0008840, OMIM 208900.

Allele frequency attached by ClinVar (database versions not stated): TOPMed below 0.00001; gnomAD exomes below 0.00001; gnomAD 0.00001.
gnomAD v4.1: 2 of 1,613,964 alleles (0.00012%); highest among the groups gnomAD compares: Admixed American, 0.0017%; no homozygotes.

Submissions (7):

Ambry Genetics
Classification: Uncertain significance for Hereditary cancer-predisposing syndrome. Last evaluated: 2025-08-25. Review status: criteria provided, single submitter. Criteria: Ambry Variant Classification Scheme 2023. Collection method: clinical testing. Allele origin: germline.
Comment: The p.I2914M variant (also known as c.8742T>G), located in coding exon 59 of the ATM gene, results from a T to G substitution at nucleotide position 8742. The isoleucine at codon 2914 is replaced by methionine, an amino acid with highly similar properties. Another missense alteration at this residue (p.I2914T) has been detected in 1/4112 breast cancer patients and 0/2399 healthy control individuals across numerous studies (Tavtigian S et al. Am. J. Hum. Genet. 2009 Oct;85:427-46). This amino acid position is highly conserved in available vertebrate species. In addition, the in silico prediction for this alteration is inconclusive. Since supporting evidence is limited at this time, the clinical significance of this alteration remains unclear.

Labcorp Genetics (formerly Invitae), Labcorp
Classification: Uncertain significance for Ataxia-telangiectasia syndrome. Last evaluated: 2024-08-12. Review status: criteria provided, single submitter. Criteria: Invitae Variant Classification Sherloc (09022015). Collection method: clinical testing. Allele origin: germline.
Comment: This sequence change replaces isoleucine, which is neutral and non-polar, with methionine, which is neutral and non-polar, at codon 2914 of the ATM protein (p.Ile2914Met). This variant is not present in population databases (gnomAD no frequency). This variant has not been reported in the literature in individuals affected with ATM-related conditions. ClinVar contains an entry for this variant (Variation ID: 142142). An algorithm developed to predict the effect of missense changes on protein structure and function (PolyPhen-2) suggests that this variant is likely to be disruptive. In summary, the available evidence is currently insufficient to determine the role of this variant in disease. Therefore, it has been classified as a Variant of Uncertain Significance.

Blueprint Genetics
Classification: Uncertain significance. Last evaluated: 2024-06-27. Review status: criteria provided, single submitter. Criteria: ACMG Guidelines, 2015. Collection method: clinical testing. Allele origin: germline.

Color Diagnostics, LLC DBA Color Health
Classification: Uncertain significance for Hereditary cancer-predisposing syndrome. Last evaluated: 2024-03-06. Review status: criteria provided, single submitter. Criteria: ACMG Guidelines, 2015. Collection method: clinical testing. Allele origin: germline.
Comment: This missense variant replaces isoleucine with methionine at codon 2914 of the ATM protein. Computational prediction is inconclusive regarding the impact of this variant on protein structure and function (internally defined REVEL score threshold 0.5 < inconclusive < 0.7, PMID: 27666373). To our knowledge, functional studies have not been reported for this variant. This variant has not been reported in individuals affected with ATM-related disorders in the literature. This variant has not been identified in the general population by the Genome Aggregation Database (gnomAD). The available evidence is insufficient to determine the role of this variant in disease conclusively. Therefore, this variant is classified as a Variant of Uncertain Significance.

Baylor Genetics
Classification: Uncertain significance for Familial cancer of breast. Last evaluated: 2024-02-01. Review status: criteria provided, single submitter. Criteria: ACMG Guidelines, 2015. Collection method: clinical testing. Allele origin: unknown.

Quest Diagnostics Nichols Institute San Juan Capistrano
Classification: Uncertain significance. Last evaluated: 2023-10-31. Review status: criteria provided, single submitter. Criteria: Quest Diagnostics criteria. Collection method: clinical testing. Allele origin: unknown.

Natera, Inc.
Classification: Uncertain significance for Ataxia-telangiectasia. Last evaluated: 2021-10-06. Review status: no assertion criteria provided. Collection method: clinical testing. Allele origin: germline. Not counted in ClinVar's aggregate classification.

NM_000051.4(ATM):c.8742T>G (p.Ile2914Met)

Genes: ATM (ATM serine/threonine kinase; plus strand), C11orf65 (chromosome 11 open reading frame 65; minus strand). Cytogenetic location: 11q22.3.
Variant type: single nucleotide variant.
Coding change: c.8742T>G on transcript NM_000051.4 (MANE Select); coding-DNA position 8742, T replaced by G.
Protein change: p.Ile2914Met; replaces isoleucine 2914 with methionine.
Molecular consequence: missense variant. On other transcripts: intron variant (2).
Genome position (GRCh38, 1-based): chr11:108,353,836, T>G. VCF-style: chr11-108353836-T-G. GRCh37 (hg19) VCF-style: chr11-108224563-T-G.
Other names: c.8742T>G, p.Ile2914Met (NM_001351834.2); c.640+32084A>C (NM_001330368.2); c.695-18544A>C (NM_001351110.2); short protein forms I2914M.
Identifiers: ClinVar variation 142142 (VCV000142142.35), dbSNP rs587782264, ClinGen allele CA167513.